The following is an entry in ClinVar:

NM_021939.4(FKBP10):c.1021A>G (p.Ile341Val)

Gene: FKBP10 (FKBP prolyl isomerase 10; plus strand). Cytogenetic location: 17q21.2.
Variant type: single nucleotide variant.
Coding change: c.1021A>G on transcript NM_021939.4 (MANE Select); coding-DNA position 1021, A replaced by G.
Protein change: p.Ile341Val; replaces isoleucine 341 with valine.
Molecular consequence: missense variant.
Genome position (GRCh38, 1-based): chr17:41,819,633, A>G. VCF-style: chr17-41819633-A-G. GRCh37 (hg19) VCF-style: chr17-39975885-A-G.
Other names: short protein forms I341V.
Identifiers: ClinVar variation 2100050 (VCV002100050.4), dbSNP rs2544438123, ClinGen allele CA399516876.
Genomic context (GRCh38, chr17:41,819,633, plus strand): 5'-TACATCATCCCCGGGATGGACCAGGGGCTGCAGGGTGCCTGCATGGGGGAACGCCGGAGA[A>G]TTACCATCCCCCCGCACCTCGCCTATGGGGAGAATGGAACTGGTAGGGGCGTTCCCCAGC-3'
Protein context (NP_068758.3, residues 331-351): QGACMGERRR[Ile341Val]TIPPHLAYGE

ClinVar aggregate classification (germline): Uncertain significance (1 of 4 stars; one submission).

Submission:

Labcorp Genetics (formerly Invitae), Labcorp
Classification: Uncertain significance. Last evaluated: 2022-02-20. Review status: criteria provided, single submitter. Criteria: Invitae Variant Classification Sherloc (09022015). Collection method: clinical testing. Allele origin: germline.
Comment: In summary, the available evidence is currently insufficient to determine the role of this variant in disease. Therefore, it has been classified as a Variant of Uncertain Significance. Algorithms developed to predict the effect of missense changes on protein structure and function output the following: SIFT: "Tolerated"; PolyPhen-2: "Benign"; Align-GVGD: "Class C0". The valine amino acid residue is found in multiple mammalian species, which suggests that this missense change does not adversely affect protein function. This variant has not been reported in the literature in individuals affected with FKBP10-related conditions. This variant is not present in population databases (gnomAD no frequency). This sequence change replaces isoleucine, which is neutral and non-polar, with valine, which is neutral and non-polar, at codon 341 of the FKBP10 protein (p.Ile341Val).